The following is an entry in ClinVar:

NM_006073.4(TRDN):c.292G>A (p.Glu98Lys)

Gene: TRDN (triadin; minus strand). Cytogenetic location: 6q22.31.
Variant type: single nucleotide variant.
Coding change: c.292G>A on transcript NM_006073.4 (MANE Select); coding-DNA position 292, G replaced by A.
Protein change: p.Glu98Lys; replaces glutamic acid 98 with lysine.
Molecular consequence: missense variant.
Genome position (GRCh38, 1-based): chr6:123,548,553, C>T on the plus strand (G>A on the coding strand, the complement: TRDN is on the minus strand). VCF-style: chr6-123548553-C-T. GRCh37 (hg19) VCF-style: chr6-123869698-C-T.
Other names: c.292G>A, p.Glu98Lys (NM_001251987.2, NM_001256020.2, NM_001256021.2 and 2 more transcripts); short protein forms E98K.
Identifiers: ClinVar variation 1797793 (VCV001797793.3), dbSNP rs1424922935, ClinGen allele CA365568864.

ClinVar aggregate classification (germline): Uncertain significance. Review status: criteria provided, multiple submitters, no conflicts (2 of 4 stars). 2 submissions from 2 submitters: Uncertain significance (2). Last evaluated 2025-07-13.

Conditions:
Catecholaminergic polymorphic ventricular tachycardia 1. Also called: VENTRICULAR TACHYCARDIA, CATECHOLAMINERGIC POLYMORPHIC, 1, WITH OR WITHOUT ATRIAL DYSFUNCTION AND/OR DILATED CARDIOMYOPATHY; RYR2-Related Catecholaminergic Polymorphic Ventricular Tachycardia; VENTRICULAR TACHYCARDIA, STRESS-INDUCED POLYMORPHIC 1. Identifiers: Orphanet 3286, MedGen C1631597, MONDO:0011484, OMIM 604772.
Cardiovascular phenotype. Identifiers: MedGen CN230736.

Allele frequency attached by ClinVar (database versions not stated): gnomAD exomes below 0.00001.

Submissions (2):

Labcorp Genetics (formerly Invitae), Labcorp
Classification: Uncertain significance for Catecholaminergic polymorphic ventricular tachycardia 1. Last evaluated: 2025-07-13. Review status: criteria provided, single submitter. Criteria: Invitae Variant Classification Sherloc (09022015). Collection method: clinical testing. Allele origin: germline.
Comment: This sequence change replaces glutamic acid, which is acidic and polar, with lysine, which is basic and polar, at codon 98 of the TRDN protein (p.Glu98Lys). This variant is not present in population databases (gnomAD no frequency). This variant has not been reported in the literature in individuals affected with TRDN-related conditions. ClinVar contains an entry for this variant (Variation ID: 1797793). Invitae Evidence Modeling of protein sequence and biophysical properties (such as structural, functional, and spatial information, amino acid conservation, physicochemical variation, residue mobility, and thermodynamic stability) indicates that this missense variant is expected to disrupt TRDN protein function with a positive predictive value of 80%. In summary, the available evidence is currently insufficient to determine the role of this variant in disease. Therefore, it has been classified as a Variant of Uncertain Significance.

Ambry Genetics
Classification: Uncertain significance for Cardiovascular phenotype. Last evaluated: 2022-03-04. Review status: criteria provided, single submitter. Criteria: Ambry Variant Classification Scheme 2023. Collection method: clinical testing. Allele origin: germline.
Comment: The p.E98K variant (also known as c.292G>A), located in coding exon 3 of the TRDN gene, results from a G to A substitution at nucleotide position 292. The glutamic acid at codon 98 is replaced by lysine, an amino acid with similar properties. This amino acid position is conserved. In addition, the in silico prediction for this alteration is inconclusive. Since supporting evidence is limited at this time, the clinical significance of this alteration remains unclear.